The following is an entry in ClinVar:

ClinVar aggregate classification (germline): Pathogenic (1 of 4 stars; one submission).

Allele frequency attached by ClinVar (database versions not stated): gnomAD 0.00001; gnomAD exomes 0.00001; TOPMed 0.00001.

Submission:

Labcorp Genetics (formerly Invitae), Labcorp
Classification: Pathogenic. Last evaluated: 2024-11-11. Review status: criteria provided, single submitter. Criteria: Invitae Variant Classification Sherloc (09022015). Collection method: clinical testing. Allele origin: germline.
Comment: This sequence change creates a premature translational stop signal (p.Arg2363*) in the ATR gene. It is expected to result in an absent or disrupted protein product. Loss-of-function variants in ATR are known to be pathogenic (PMID: 21228398, 23144622). This variant is not present in population databases (gnomAD no frequency). This variant has not been reported in the literature in individuals affected with ATR-related conditions. ClinVar contains an entry for this variant (Variation ID: 2864133). For these reasons, this variant has been classified as Pathogenic.

Literature cited by the submitters: PubMed 21228398; PubMed 23144622.

NM_001184.4(ATR):c.7087C>T (p.Arg2363Ter)

Gene: ATR (ATR checkpoint kinase; minus strand). Cytogenetic location: 3q23.
Variant type: single nucleotide variant.
Coding change: c.7087C>T on transcript NM_001184.4 (MANE Select); coding-DNA position 7087, C replaced by T.
Protein change: p.Arg2363Ter; replaces arginine 2363 with a stop codon.
Molecular consequence: nonsense.
Genome position (GRCh38, 1-based): chr3:142,462,045, G>A on the plus strand (C>T on the coding strand, the complement: ATR is on the minus strand). VCF-style: chr3-142462045-G-A. GRCh37 (hg19) VCF-style: chr3-142180887-G-A.
Other names: c.6895C>T, p.Arg2299Ter (NM_001354579.2); short protein forms R2299*, R2363*.
Identifiers: ClinVar variation 2864133 (VCV002864133.3), dbSNP rs868378229, ClinGen allele CA84728264.